The following is an entry in ClinVar:

ClinVar aggregate classification (germline): Uncertain significance (1 of 4 stars; one submission).

Conditions:
Neutropenia, severe congenital, 2, autosomal dominant. Identifiers: Orphanet 486, MedGen C2751288, MONDO:0013139, OMIM 613107.

Allele frequency attached by ClinVar (database versions not stated): gnomAD exomes below 0.00001 and 0.00002; TOPMed 0.00002; gnomAD 0.00003 and 0.00004.
gnomAD v4.1: 32 of 1,613,936 alleles (0.002%); highest among the groups gnomAD compares: Non-Finnish European, 0.0025%; no homozygotes.

Submission:

Labcorp Genetics (formerly Invitae), Labcorp
Classification: Uncertain significance for Neutropenia, severe congenital, 2, autosomal dominant. Last evaluated: 2025-08-12. Review status: criteria provided, single submitter. Criteria: Invitae Variant Classification Sherloc (09022015). Collection method: clinical testing. Allele origin: germline.
Comment: This sequence change replaces threonine, which is neutral and polar, with isoleucine, which is neutral and non-polar, at codon 359 of the GFI1 protein (p.Thr359Ile). This variant is present in population databases (no rsID available, gnomAD 0.0009%). This variant has not been reported in the literature in individuals affected with GFI1-related conditions. ClinVar contains an entry for this variant (Variation ID: 946598). Invitae Evidence Modeling of protein sequence and biophysical properties (such as structural, functional, and spatial information, amino acid conservation, physicochemical variation, residue mobility, and thermodynamic stability) indicates that this missense variant is expected to disrupt GFI1 protein function with a positive predictive value of 80%. In summary, the available evidence is currently insufficient to determine the role of this variant in disease. Therefore, it has been classified as a Variant of Uncertain Significance.

NM_005263.5(GFI1):c.1076C>T (p.Thr359Ile)

Gene: GFI1 (growth factor independent 1 transcriptional repressor; minus strand). Cytogenetic location: 1p22.1.
Variant type: single nucleotide variant.
Coding change: c.1076C>T on transcript NM_005263.5 (MANE Select); coding-DNA position 1076, C replaced by T.
Protein change: p.Thr359Ile; replaces threonine 359 with isoleucine.
Molecular consequence: missense variant.
Genome position (GRCh38, 1-based): chr1:92,478,602, G>A on the plus strand (C>T on the coding strand, the complement: GFI1 is on the minus strand). VCF-style: chr1-92478602-G-A. GRCh37 (hg19) VCF-style: chr1-92944159-G-A.
Other names: c.1076C>T, p.Thr359Ile (NM_001127215.3, NM_001127216.3); short protein forms T359I.
Identifiers: ClinVar variation 946598 (VCV000946598.9), dbSNP rs1234266152, ClinGen allele CA341148032.